The following is an entry in ClinVar:

ClinVar aggregate classification (germline): Likely benign (1 of 4 stars; one submission).

Conditions:
Familial adenomatous polyposis 1 (FAP1). Also called: POLYPOSIS, ADENOMATOUS INTESTINAL; FAMILIAL ADENOMATOUS POLYPOSIS 1, ATTENUATED. Identifiers: MedGen C2713442, MONDO:0021056, OMIM 175100. Disease mechanism: loss of function.

Allele frequency attached by ClinVar (database versions not stated): TOPMed below 0.00001; ExAC 0.00001.
gnomAD v4.1: 1 of 1,594,120 alleles (0.000063%); highest among the groups gnomAD compares: Non-Finnish European, 0.000086%; no homozygotes.

Submission:

Myriad Genetics, Inc.
Classification: Likely benign for Familial adenomatous polyposis 1. Last evaluated: 2024-03-08. Review status: criteria provided, single submitter. Criteria: Myriad Autosomal Dominant, Autosomal Recessive and X-Linked Classification Criteria (2023). Collection method: clinical testing. Allele origin: unknown.
Comment: This variant is considered likely benign. This variant is intronic and is not expected to impact mRNA splicing.

NM_000038.6(APC):c.1959-18C>T

Gene: APC (APC regulator of Wnt signaling pathway; plus strand). Cytogenetic location: 5q22.2.
Variant type: single nucleotide variant.
Coding change: c.1959-18C>T on transcript NM_000038.6 (MANE Select); 18 bases into the intron before coding-DNA position 1959, C replaced by T.
Molecular consequence: intron variant.
Genome position (GRCh38, 1-based): chr5:112,837,535, C>T. VCF-style: chr5-112837535-C-T. GRCh37 (hg19) VCF-style: chr5-112173232-C-T.
Other names: c.1110-18C>T (NM_001407470.1, NM_001354906.2); c.807-18C>T (NM_001407472.1, NM_001407471.1); c.2013-18C>T (NM_001407447.1, NM_001407448.1, NM_001407449.1 and 1 more transcripts); c.1959-18C>T (NM_001354895.2, NM_001407450.1, NM_001127510.3); c.1710-18C>T (NM_001407456.1, NM_001407457.1, NM_001407455.1 and 1 more transcripts); c.1656-18C>T (NM_001407460.1, NM_001407458.1, NM_001407459.1 and 1 more transcripts); c.1929-18C>T (NM_001407452.1); c.1572-18C>T (NM_001407469.1, NM_001407467.1); and 11 more.
Identifiers: ClinVar variation 3148732 (VCV003148732.1), dbSNP rs766663675, ClinGen allele CA030279.
Genomic context (GRCh38, chr5:112,837,535, plus strand): 5'-TTGTCTTCTATCCTTTTATTTGTTGTTACTGCATACACATTGTGACCTTAATTTTGTGAT[C>T]TCTTGATTTTATTTCAGGCAAATCCTAAGAGAGAACAACTGTCTACAAACTTTATTACAA-3'